The following is an entry in ClinVar:

ClinVar aggregate classification (germline): Uncertain significance. Review status: criteria provided, multiple submitters, no conflicts (2 of 4 stars). 2 submissions from 2 submitters: Uncertain significance (2). Last evaluated 2024-07-16.

Allele frequency attached by ClinVar (database versions not stated): gnomAD 0.00002; TOPMed 0.00002.

Submissions (2):

Revvity Omics, Revvity
Classification: Uncertain significance. Last evaluated: 2024-07-16. Review status: criteria provided, single submitter. Criteria: ACMG Guidelines, 2015. Collection method: clinical testing. Allele origin: germline.

Mayo Clinic Laboratories, Mayo Clinic
Classification: Uncertain significance. Last evaluated: 2023-06-13. Review status: criteria provided, single submitter. Criteria: ACMG Guidelines, 2015. Collection method: clinical testing. Allele origin: germline. Observed: 1 variant allele.
Comment: BP4_strong

NM_001142864.4(PIEZO1):c.226G>A (p.Ala76Thr)

Gene: PIEZO1 (piezo type mechanosensitive ion channel component 1 (Er blood group); minus strand). Cytogenetic location: 16q24.3.
Variant type: single nucleotide variant.
Coding change: c.226G>A on transcript NM_001142864.4 (MANE Select); coding-DNA position 226, G replaced by A.
Protein change: p.Ala76Thr; replaces alanine 76 with threonine.
Molecular consequence: missense variant.
Genome position (GRCh38, 1-based): chr16:88,742,357, C>T on the plus strand (G>A on the coding strand, the complement: PIEZO1 is on the minus strand). VCF-style: chr16-88742357-C-T. GRCh37 (hg19) VCF-style: chr16-88808765-C-T.
Other names: p.Ala76Thr; short protein forms A76T.
Identifiers: ClinVar variation 2434790 (VCV002434790.4), dbSNP rs1213053249, ClinGen allele CA397125090.